The following is an entry in ClinVar:

NC_000006.12:g.(?_128883236)_(129098425_?)del

Gene: LAMA2 (laminin subunit alpha 2; plus strand). Cytogenetic location: 6q22.33.
Variant type: Deletion.
Identifiers: ClinVar variation 652379 (VCV000652379.5).

ClinVar aggregate classification (germline): Pathogenic (1 of 4 stars; one submission).

Conditions:
LAMA2-related muscular dystrophy (LAMA2-RD). Also called: Laminin alpha 2-related dystrophy. Identifiers: MedGen C5679788, MONDO:0100228.

Submission:

Labcorp Genetics (formerly Invitae), Labcorp
Classification: Pathogenic for LAMA2-related muscular dystrophy. Last evaluated: 2018-12-01. Review status: criteria provided, single submitter. Criteria: Invitae Variant Classification Sherloc (09022015). Collection method: clinical testing. Allele origin: germline.
Comment: This variant is a gross deletion of the genomic region encompassing exons 1-4 of the LAMA2 gene, which includes the initiator codon. The 5' end of this event is unknown as it extends beyond the assayed region for this gene and therefore may encompass additional genes. The 3' boundary is likely confined to intron 4 of the LAMA2 gene. This is expected to result in an absent or disrupted protein product. This variant has not been reported in the literature in individuals with LAMA2-related conditions. Loss-of-function variants in LAMA2 are known to be pathogenic (PMID: 18700894). For these reasons, this variant has been classified as Pathogenic.

Literature cited by the submitters: PubMed 18700894.